The following is an entry in ClinVar:

ClinVar aggregate classification (germline): Uncertain significance (1 of 4 stars; one submission).

Submission:

GeneDx
Classification: Uncertain significance. Last evaluated: 2024-11-18. Review status: criteria provided, single submitter. Criteria: GeneDx Variant Classification Process June 2021. Collection method: clinical testing. Allele origin: germline. Affected: yes.
Comment: In silico analysis indicates that this missense variant does not alter protein structure/function; Has not been previously published as pathogenic or benign to our knowledge

NM_138422.4(ADAT3):c.104C>G (p.Pro35Arg)

Genes: ADAT3 (adenosine deaminase tRNA specific 3; plus strand), SCAMP4 (secretory carrier membrane protein 4; plus strand). Cytogenetic location: 19p13.3.
Variant type: single nucleotide variant.
Coding change: c.104C>G on transcript NM_138422.4 (MANE Select); coding-DNA position 104, C replaced by G.
Protein change: p.Pro35Arg; replaces proline 35 with arginine.
Molecular consequence: missense variant. On other transcripts: intron variant (3).
Genome position (GRCh38, 1-based): chr19:1,912,151, C>G. VCF-style: chr19-1912151-C-G. GRCh37 (hg19) VCF-style: chr19-1912150-C-G.
Other names: c.56C>G, p.Pro19Arg (NM_001329533.2); c.-41-2828C>G (NM_079834.4, NM_001329540.2); c.-125-5543C>G (NM_001329539.2); short protein forms P19R, P35R.
Identifiers: ClinVar variation 3899407 (VCV003899407.1).